The following is an entry in ClinVar:

ClinVar aggregate classification (germline): Uncertain significance (1 of 4 stars; one submission).

Submission:

Labcorp Genetics (formerly Invitae), Labcorp
Classification: Uncertain significance. Last evaluated: 2024-09-10. Review status: criteria provided, single submitter. Criteria: Invitae Variant Classification Sherloc (09022015). Collection method: clinical testing. Allele origin: germline.
Comment: This sequence change replaces threonine, which is neutral and polar, with lysine, which is basic and polar, at codon 633 of the FCHO1 protein (p.Thr633Lys). Information on the frequency of this variant in the gnomAD database is not available, as this variant may be reported differently in the database. This variant has not been reported in the literature in individuals affected with FCHO1-related conditions. An algorithm developed to predict the effect of missense changes on protein structure and function (PolyPhen-2) suggests that this variant is likely to be disruptive. In summary, the available evidence is currently insufficient to determine the role of this variant in disease. Therefore, it has been classified as a Variant of Uncertain Significance.

NM_015122.3(FCHO1):c.1898_1899delinsAG (p.Thr633Lys)

Gene: FCHO1 (FCH and mu domain containing endocytic adaptor 1; plus strand). Cytogenetic location: 19p13.11.
Variant type: Indel.
Coding change: c.1898_1899delinsAG on transcript NM_015122.3 (MANE Select); coding-DNA positions 1898 to 1899, CA replaced by AG.
Protein change: p.Thr633Lys; replaces threonine 633 with lysine.
Molecular consequence: missense variant. On other transcripts: non-coding transcript variant (36).
Genome position (GRCh38, 1-based): chr19:17,781,781-17,781,782, CA replaced by AG. VCF-style: chr19-17781781-CA-AG. GRCh37 (hg19) VCF-style: chr19-17892590-CA-AG.
Other names: c.1898_1899delinsAG, p.Thr633Lys (NM_001161357.2, NM_001161358.2, NM_001384370.1 and 13 more transcripts); c.1748_1749delinsAG, p.Thr583Lys (NM_001161359.2, NM_001384384.1, NM_001384385.1 and 1 more transcripts); c.1859_1860delinsAG, p.Thr620Lys (NM_001384388.1, NM_001384389.1, NM_001384405.1); c.1823_1824delinsAG, p.Thr608Lys (NM_001384390.1); c.1781_1782delinsAG, p.Thr594Lys (NM_001384392.1, NM_001384393.1, NM_001384394.1 and 1 more transcripts); c.1622_1623delinsAG, p.Thr541Lys (NM_001384396.1, NM_001384397.1, NM_001384398.1 and 5 more transcripts); c.1577_1578delinsAG, p.Thr526Lys (NM_001384403.1); c.1472_1473delinsAG, p.Thr491Lys (NM_001384406.1); and 1 more; short protein forms T443K, T491K, T526K, T541K, T583K, T594K, T608K, T620K.
Identifiers: ClinVar variation 3623387 (VCV003623387.1).
Genomic context (GRCh38, chr19:17,781,781, plus strand): 5'-GGGGTCCGAGCCCTGTGGTCCTGGGCTCCCAGGATGCCCTGCCCATAGCCACAGCCTTCA[CA>AG]GAGTATGTCCACGCCTACTTCCGTGGCCACAGCCCCAGGTACCCAGTGATGGGCAGACAG-3'
Protein context (NP_055937.1, residues 623-643): QDALPIATAF[Thr633Lys]EYVHAYFRGH